The following is an entry in ClinVar:

ClinVar aggregate classification (germline): Uncertain significance (1 of 4 stars; one submission).

Conditions:
Hereditary cancer-predisposing syndrome. Also called: Hereditary Cancer Syndrome; Hereditary neoplastic syndrome; Neoplastic Syndromes, Hereditary; Tumor predisposition. Identifiers: Orphanet 140162, MedGen C0027672, MeSH D009386, MONDO:0015356.

Submission:

Ambry Genetics
Classification: Uncertain significance for Hereditary cancer-predisposing syndrome. Last evaluated: 2021-11-24. Review status: criteria provided, single submitter. Criteria: Ambry Variant Classification Scheme 2023. Collection method: clinical testing. Allele origin: germline.
Comment: The p.I18M variant (also known as c.54T>G), located in coding exon 1 of the BMPR1A gene, results from a T to G substitution at nucleotide position 54. The isoleucine at codon 18 is replaced by methionine, an amino acid with highly similar properties. This amino acid position is well conserved in available vertebrate species. In addition, this alteration is predicted to be tolerated by in silico analysis. Since supporting evidence is limited at this time, the clinical significance of this alteration remains unclear.

NM_004329.3(BMPR1A):c.54T>G (p.Ile18Met)

Gene: BMPR1A (bone morphogenetic protein receptor type 1A; plus strand). Cytogenetic location: 10q23.2.
Variant type: single nucleotide variant.
Coding change: c.54T>G on transcript NM_004329.3 (MANE Select); coding-DNA position 54, T replaced by G.
Protein change: p.Ile18Met; replaces isoleucine 18 with methionine.
Molecular consequence: missense variant.
Genome position (GRCh38, 1-based): chr10:86,876,072, T>G. VCF-style: chr10-86876072-T-G. GRCh37 (hg19) VCF-style: chr10-88635829-T-G.
Other names: c.54T>G, p.Ile18Met (NM_001406559.1, NM_001406560.1, NM_001406561.1 and 23 more transcripts); c.-26T>G (NM_001406588.1); short protein forms I18M.
Identifiers: ClinVar variation 1747973 (VCV001747973.2), dbSNP rs2539351056, ClinGen allele CA377774851.